The following is an entry in ClinVar:

NM_004725.4(BUB3):c.25C>A (p.Leu9Met)

Gene: BUB3 (BUB3 mitotic checkpoint protein; plus strand). Cytogenetic location: 10q26.13.
Variant type: single nucleotide variant.
Coding change: c.25C>A on transcript NM_004725.4 (MANE Select); coding-DNA position 25, C replaced by A.
Protein change: p.Leu9Met; replaces leucine 9 with methionine.
Molecular consequence: missense variant.
Genome position (GRCh38, 1-based): chr10:123,154,942, C>A. VCF-style: chr10-123154942-C-A. GRCh37 (hg19) VCF-style: chr10-124914458-C-A.
Other names: c.25C>A, p.Leu9Met (NM_001007793.3); short protein forms L9M.
Identifiers: ClinVar variation 1793640 (VCV001793640.2), dbSNP rs2493755155, ClinGen allele CA378624780.

ClinVar aggregate classification (germline): Uncertain significance (1 of 4 stars; one submission).

Submission:

Ambry Genetics
Classification: Uncertain significance. Last evaluated: 2024-02-02. Review status: criteria provided, single submitter. Criteria: Ambry Variant Classification Scheme 2023. Collection method: clinical testing. Allele origin: germline.
Comment: The p.L9M variant (also known as c.25C>A), located in coding exon 1 of the BUB3 gene, results from a C to A substitution at nucleotide position 25. The leucine at codon 9 is replaced by methionine, an amino acid with highly similar properties. This amino acid position is conserved. In addition, this alteration is predicted to be tolerated by in silico analysis. Since supporting evidence is limited at this time, the clinical significance of this alteration remains unclear.